The following is an entry in ClinVar:

ClinVar aggregate classification (germline): Likely benign (1 of 4 stars; one submission).

Conditions:
MLIP-related disorder. Also called: MLIP-related condition.

gnomAD v4.1: 459 of 1,536,020 alleles (0.03%); highest among the groups gnomAD compares: African/African-American, 0.51%; 1 homozygote.

Submission:

PreventionGenetics, part of Exact Sciences
Classification: Likely benign for MLIP-related condition. Last evaluated: 2025-04-08. Review status: criteria provided, single submitter. Criteria: ACMG Guidelines, 2015. Collection method: clinical testing. Allele origin: germline.
Comment: This variant is classified as likely benign based on ACMG/AMP sequence variant interpretation guidelines (Richards et al. 2015 PMID: 25741868, with internal and published modifications).

NM_001281747.2(MLIP):c.869C>T (p.Ser290Leu)

Gene: MLIP (muscular LMNA interacting protein; plus strand). Cytogenetic location: 6p12.1.
Variant type: single nucleotide variant.
Coding change: c.869C>T on transcript NM_001281747.2 (MANE Select); coding-DNA position 869, C replaced by T.
Protein change: p.Ser290Leu; replaces serine 290 with leucine.
Molecular consequence: missense variant. On other transcripts: intron variant (1).
Genome position (GRCh38, 1-based): chr6:54,136,938, C>T. VCF-style: chr6-54136938-C-T. GRCh37 (hg19) VCF-style: chr6-54001736-C-T.
Other names: c.836C>T, p.Ser279Leu (NM_001281746.2); c.612+12073C>T (NM_138569.3); short protein forms S279L, S290L.
Identifiers: ClinVar variation 4985693 (VCV004985693.1).